The following is an entry in ClinVar:

ClinVar aggregate classification (germline): Uncertain significance. Review status: criteria provided, multiple submitters, no conflicts (2 of 4 stars). 2 submissions from 2 submitters: Uncertain significance (2). Last evaluated 2025-05-23.

Conditions:
Autosomal recessive limb-girdle muscular dystrophy type 2J (LGMDR10). Also called: Limb-girdle muscular dystrophy, type 2J; MUSCULAR DYSTROPHY, LIMB-GIRDLE, AUTOSOMAL RECESSIVE 10. Identifiers: Orphanet 140922, MedGen C1837342, MONDO:0012127, OMIM 608807.
Dilated cardiomyopathy 1G (CMD1G). Identifiers: Orphanet 154, MedGen C1858763, MONDO:0011400, OMIM 604145.
TTN-related disorder. Also called: TTN-related condition; TTN-related disease; TTN-related disorders.

Allele frequency attached by ClinVar (database versions not stated): gnomAD exomes below 0.00001.
gnomAD v4.1: 1 of 1,606,878 alleles (0.000062%); highest among the groups gnomAD compares: Non-Finnish European, 0.000085%; no homozygotes.

Submissions (2):

PreventionGenetics, part of Exact Sciences
Classification: Uncertain significance for TTN-related condition. Last evaluated: 2025-05-23. Review status: criteria provided, single submitter. Criteria: ACMG Guidelines, 2015. Collection method: clinical testing. Allele origin: germline.
Comment: The TTN c.107714A>G variant is predicted to result in the amino acid substitution p.Asp35905Gly. To our knowledge, this variant has not been reported in the literature. This variant is reported in 0.00090% of alleles in individuals of European (Non-Finnish) descent in gnomAD. At this time, the clinical significance of this variant is uncertain due to the absence of conclusive functional and genetic evidence.

Labcorp Genetics (formerly Invitae), Labcorp
Classification: Uncertain significance for Dilated cardiomyopathy 1G; Autosomal recessive limb-girdle muscular dystrophy type 2J. Last evaluated: 2022-07-12. Review status: criteria provided, single submitter. Criteria: Invitae Variant Classification Sherloc (09022015). Collection method: clinical testing. Allele origin: germline.
Comment: This sequence change replaces aspartic acid, which is acidic and polar, with glycine, which is neutral and non-polar, at codon 35905 of the TTN protein (p.Asp35905Gly). This variant is not present in population databases (gnomAD no frequency). This variant has not been reported in the literature in individuals affected with TTN-related conditions. ClinVar contains an entry for this variant (Variation ID: 846480). Experimental studies and prediction algorithms are not available or were not evaluated, and the functional significance of this variant is currently unknown. Algorithms developed to predict the effect of sequence changes on RNA splicing suggest that this variant may create or strengthen a splice site. This variant is located in the M band of TTN (PMID: 25589632). Variants in this region may be relevant for neuromuscular disorders, but have not been definitively shown to cause cardiomyopathy (PMID: 23975875). In summary, the available evidence is currently insufficient to determine the role of this variant in disease. Therefore, it has been classified as a Variant of Uncertain Significance.

Literature cited by the submitters: PubMed 25589632 (cited by Labcorp Genetics (formerly Invitae), Labcorp); PubMed 23975875 (cited by Labcorp Genetics (formerly Invitae), Labcorp).

NM_001267550.2(TTN):c.107714A>G (p.Asp35905Gly)

Genes: TTN (titin; minus strand), TTN-AS1 (TTN antisense RNA 1; plus strand). Cytogenetic location: 2q31.2.
Variant type: single nucleotide variant.
Coding change: c.107714A>G on transcript NM_001267550.2 (MANE Select); coding-DNA position 107714, A replaced by G.
Protein change: p.Asp35905Gly; replaces aspartic acid 35905 with glycine.
Molecular consequence: missense variant.
Genome position (GRCh38, 1-based): chr2:178,527,274, T>C on the plus strand (A>G on the coding strand, the complement: TTN is on the minus strand). VCF-style: chr2-178527274-T-C. GRCh37 (hg19) VCF-style: chr2-179392001-T-C.
Other names: c.102791A>G, p.Asp34264Gly (NM_001256850.1); c.80519A>G, p.Asp26840Gly (NM_003319.4); c.100010A>G, p.Asp33337Gly (NM_133378.4); c.80894A>G, p.Asp26965Gly (NM_133432.3); c.81095A>G, p.Asp27032Gly (NM_133437.4); short protein forms D33337G, D34264G, D26840G, D26965G, D27032G, D35905G.
Identifiers: ClinVar variation 846480 (VCV000846480.6), dbSNP rs1558955826, ClinGen allele CA349399550.